The following is an entry in ClinVar:

ClinVar aggregate classification (germline): Uncertain significance. Review status: criteria provided, multiple submitters, no conflicts (2 of 4 stars). 2 submissions from 2 submitters: Uncertain significance (2). Last evaluated 2023-03-25.

Conditions:
Inborn genetic diseases. Identifiers: MedGen C0950123, MeSH D030342.
Brachyolmia-amelogenesis imperfecta syndrome. Also called: Tooth agenesis, selective, 6; Dental anomalies and short stature; PLATYSPONDYLY WITH AMELOGENESIS IMPERFECTA. Identifiers: Orphanet 2899, MedGen C1832594, MONDO:0011018, OMIM 601216. Disease mechanism: loss of function.

gnomAD v4.1: 6 of 1,613,560 alleles (0.00037%); highest among the groups gnomAD compares: South Asian, 0.0055%; no homozygotes.

Submissions (2):

Labcorp Genetics (formerly Invitae), Labcorp
Classification: Uncertain significance for Brachyolmia-amelogenesis imperfecta syndrome. Last evaluated: 2023-03-25. Review status: criteria provided, single submitter. Criteria: Invitae Variant Classification Sherloc (09022015). Collection method: clinical testing. Allele origin: germline.
Comment: This sequence change replaces glutamic acid, which is acidic and polar, with lysine, which is basic and polar, at codon 996 of the LTBP3 protein (p.Glu996Lys). This variant is present in population databases (rs745825598, gnomAD 0.003%). This variant has not been reported in the literature in individuals affected with LTBP3-related conditions. ClinVar contains an entry for this variant (Variation ID: 1798446). An algorithm developed to predict the effect of missense changes on protein structure and function (PolyPhen-2) suggests that this variant is likely to be disruptive. In summary, the available evidence is currently insufficient to determine the role of this variant in disease. Therefore, it has been classified as a Variant of Uncertain Significance.

Ambry Genetics
Classification: Uncertain significance for Inborn genetic diseases. Last evaluated: 2021-08-07. Review status: criteria provided, single submitter. Criteria: Ambry Variant Classification Scheme 2023. Collection method: clinical testing. Allele origin: germline.
Comment: The p.E996K variant (also known as c.2986G>A), located in coding exon 22 of the LTBP3 gene, results from a G to A substitution at nucleotide position 2986. The glutamic acid at codon 996 is replaced by lysine, an amino acid with similar properties. This amino acid position is conserved. In addition, this alteration is predicted to be deleterious by in silico analysis. Since supporting evidence is limited at this time, the clinical significance of this alteration remains unclear.

NM_001130144.3(LTBP3):c.2986G>A (p.Glu996Lys)

Genes: LTBP3 (latent transforming growth factor beta binding protein 3; minus strand), LOC121832793 (Sharpr-MPRA regulatory region 4001; plus strand). Cytogenetic location: 11q13.1.
Variant type: single nucleotide variant.
Coding change: c.2986G>A on transcript NM_001130144.3 (MANE Select); coding-DNA position 2986, G replaced by A.
Protein change: p.Glu996Lys; replaces glutamic acid 996 with lysine.
Molecular consequence: missense variant.
Genome position (GRCh38, 1-based): chr11:65,540,606, C>T on the plus strand (G>A on the coding strand, the complement: LTBP3 is on the minus strand). VCF-style: chr11-65540606-C-T. GRCh37 (hg19) VCF-style: chr11-65308077-C-T.
Other names: c.2635G>A, p.Glu879Lys (NM_001164266.1); c.2986G>A, p.Glu996Lys (NM_021070.4); short protein forms E879K, E996K.
Identifiers: ClinVar variation 1798446 (VCV001798446.5), dbSNP rs745825598, ClinGen allele CA6100379.